The following is an entry in ClinVar:

ClinVar aggregate classification (germline): Uncertain significance. Review status: criteria provided, multiple submitters, no conflicts (2 of 4 stars). 2 submissions from 2 submitters: Uncertain significance (2). Last evaluated 2021-08-28.

Conditions:
Autosomal recessive limb-girdle muscular dystrophy type 2A (LGMDR1). Also called: Limb-girdle muscular dystrophy, type 2A; Calpainopathy; MUSCULAR DYSTROPHY, PELVOFEMORAL; LEYDEN-MOEBIUS MUSCULAR DYSTROPHY; Muscular dystrophy, limb-girdle, type 2A, Amish. Identifiers: Orphanet 267, MedGen C1869123, MONDO:0009675, OMIM 253600. Disease mechanism: loss of function.

Submissions (2):

Labcorp Genetics (formerly Invitae), Labcorp
Classification: Uncertain significance for Autosomal recessive limb-girdle muscular dystrophy type 2A. Last evaluated: 2021-08-28. Review status: criteria provided, single submitter. Criteria: Invitae Variant Classification Sherloc (09022015). Collection method: clinical testing. Allele origin: germline.
Comment: This sequence change replaces glycine with arginine at codon 395 of the CAPN3 protein (p.Gly395Arg). The glycine residue is highly conserved and there is a moderate physicochemical difference between glycine and arginine. This variant is not present in population databases (ExAC no frequency). This variant has not been reported in the literature in individuals affected with CAPN3-related conditions. Algorithms developed to predict the effect of missense changes on protein structure and function are either unavailable or do not agree on the potential impact of this missense change (SIFT: "Deleterious"; PolyPhen-2: "Probably Damaging"; Align-GVGD: "Class C15"). In summary, the available evidence is currently insufficient to determine the role of this variant in disease. Therefore, it has been classified as a Variant of Uncertain Significance.

Neuberg Centre For Genomic Medicine, NCGM
Classification: Uncertain significance for Autosomal recessive limb-girdle muscular dystrophy type 2A. Review status: criteria provided, single submitter. Criteria: ACMG Guidelines, 2015. Collection method: clinical testing. Allele origin: germline. Inheritance: Autosomal recessive inheritance. Affected: yes.

NM_000070.3(CAPN3):c.1183G>A (p.Gly395Arg)

Gene: CAPN3 (calpain 3; plus strand). Cytogenetic location: 15q15.1.
Variant type: single nucleotide variant.
Coding change: c.1183G>A on transcript NM_000070.3 (MANE Select); coding-DNA position 1183, G replaced by A.
Protein change: p.Gly395Arg; replaces glycine 395 with arginine.
Molecular consequence: missense variant.
Genome position (GRCh38, 1-based): chr15:42,396,867, G>A. VCF-style: chr15-42396867-G-A. GRCh37 (hg19) VCF-style: chr15-42689065-G-A.
Other names: c.1183G>A, p.Gly395Arg (NM_024344.2); c.1039G>A, p.Gly347Arg (NM_173087.2); short protein forms G347R, G395R.
Identifiers: ClinVar variation 655419 (VCV000655419.7), dbSNP rs1595831427, ClinGen allele CA391999267.
Genomic context (GRCh38, chr15:42,396,867, plus strand): 5'-GACTGGAGCTTTGTGGACAAAGATGAGAAGGCCCGTCTGCAGCACCAGGTCACTGAGGAT[G>A]GAGAGTTCTGGTGAGTCCAGAACCCAGGAAGACCCAGAAGGGTAAGGGTGGGGAAGAGAG-3'
Protein context (NP_000061.1, residues 385-405): ARLQHQVTED[Gly395Arg]EFWMSYEDFI